The following is an entry in ClinVar:

ClinVar aggregate classification (germline): Uncertain significance (1 of 4 stars; one submission).

Submission:

GeneDx
Classification: Uncertain significance. Last evaluated: 2025-02-20. Review status: criteria provided, single submitter. Criteria: GeneDx Variant Classification Process June 2021. Collection method: clinical testing. Allele origin: germline. Affected: yes.
Comment: Not observed at significant frequency in large population cohorts (gnomAD); In silico analysis indicates that this missense variant does not alter protein structure/function; Has not been previously published as pathogenic or benign to our knowledge

NM_001385079.1(PDE10A):c.1891G>A (p.Glu631Lys)

Gene: PDE10A (phosphodiesterase 10A; minus strand). Cytogenetic location: 6q27.
Variant type: single nucleotide variant.
Coding change: c.1891G>A on transcript NM_001385079.1 (MANE Select); coding-DNA position 1891, G replaced by A.
Protein change: p.Glu631Lys; replaces glutamic acid 631 with lysine.
Molecular consequence: missense variant.
Genome position (GRCh38, 1-based): chr6:165,413,686, C>T on the plus strand (G>A on the coding strand, the complement: PDE10A is on the minus strand). VCF-style: chr6-165413686-C-T. GRCh37 (hg19) VCF-style: chr6-165827174-C-T.
Other names: c.1093G>A, p.Glu365Lys (NM_001130690.3); c.1063G>A, p.Glu355Lys (NM_006661.4); short protein forms E355K, E365K, E631K.
Identifiers: ClinVar variation 4076722 (VCV004076722.1).